The following is an entry in ClinVar:

ClinVar aggregate classification (germline): Uncertain significance (1 of 4 stars; one submission).

Conditions:
Adenylosuccinate lyase deficiency (ADSLD). Also called: ADSL DEFICIENCY. Identifiers: Orphanet 46, MedGen C0268126, MONDO:0007068, OMIM 103050.

Submission:

Labcorp Genetics (formerly Invitae), Labcorp
Classification: Uncertain significance for Adenylosuccinate lyase deficiency. Last evaluated: 2024-10-30. Review status: criteria provided, single submitter. Criteria: Invitae Variant Classification Sherloc (09022015). Collection method: clinical testing. Allele origin: germline.
Comment: This sequence change replaces valine, which is neutral and non-polar, with glutamic acid, which is acidic and polar, at codon 29 of the ADSL protein (p.Val29Glu). This variant is not present in population databases (gnomAD no frequency). This variant has not been reported in the literature in individuals affected with ADSL-related conditions. Invitae Evidence Modeling of protein sequence and biophysical properties (such as structural, functional, and spatial information, amino acid conservation, physicochemical variation, residue mobility, and thermodynamic stability) indicates that this missense variant is not expected to disrupt ADSL protein function with a negative predictive value of 80%. In summary, the available evidence is currently insufficient to determine the role of this variant in disease. Therefore, it has been classified as a Variant of Uncertain Significance.

NM_000026.4(ADSL):c.86T>A (p.Val29Glu)

Gene: ADSL (adenylosuccinate lyase; plus strand). Cytogenetic location: 22q13.1.
Variant type: single nucleotide variant.
Coding change: c.86T>A on transcript NM_000026.4 (MANE Select); coding-DNA position 86, T replaced by A.
Protein change: p.Val29Glu; replaces valine 29 with glutamic acid.
Molecular consequence: missense variant. On other transcripts: 5 prime UTR variant (1), non-coding transcript variant (1).
Genome position (GRCh38, 1-based): chr22:40,346,644, T>A. VCF-style: chr22-40346644-T-A. GRCh37 (hg19) VCF-style: chr22-40742648-T-A.
Other names: c.86T>A, p.Val29Glu (NM_001123378.3, NM_001363840.3, NM_001410812.1 and 2 more transcripts); c.-52T>A (NM_001317923.2); short protein forms V29E.
Identifiers: ClinVar variation 3665595 (VCV003665595.2).
Genomic context (GRCh38, chr22:40,346,644, plus strand): 5'-CGCCCGACAGCTACCGCTCACCTCTTGCCTCCCGCTATGCCAGCCCGGAGATGTGCTTCG[T>A]GTTTAGCGACAGGTATAAATTCCGGACATGGCGGCAGCTGTGGCTGTGGCTGGCGGAGGC-3'
Protein context (NP_000017.1, residues 19-39): SRYASPEMCF[Val29Glu]FSDRYKFRTW